The following is an entry in ClinVar:

NM_000081.4(LYST):c.3235T>G (p.Ser1079Ala)

Gene: LYST (lysosomal trafficking regulator; minus strand). Cytogenetic location: 1q42.3.
Variant type: single nucleotide variant.
Coding change: c.3235T>G on transcript NM_000081.4 (MANE Select); coding-DNA position 3235, T replaced by G.
Protein change: p.Ser1079Ala; replaces serine 1079 with alanine.
Molecular consequence: missense variant.
Genome position (GRCh38, 1-based): chr1:235,805,901, A>C on the plus strand (T>G on the coding strand, the complement: LYST is on the minus strand). VCF-style: chr1-235805901-A-C. GRCh37 (hg19) VCF-style: chr1-235969201-A-C.
Other names: c.3235T>G, p.Ser1079Ala (NM_001301365.1); c.3235T>G (NM_000081.2); short protein forms S1079A.
Identifiers: ClinVar variation 1376128 (VCV001376128.6), dbSNP rs1672781069, ClinGen allele CA344952343.

ClinVar aggregate classification (germline): Uncertain significance. Review status: criteria provided, multiple submitters, no conflicts (2 of 4 stars). 2 submissions from 2 submitters: Uncertain significance (2). Last evaluated 2024-10-16.

Conditions:
Inborn genetic diseases. Identifiers: MedGen C0950123, MeSH D030342.
Chédiak-Higashi syndrome (CHS). Also called: Chediak-Higashi Syndrome. Identifiers: Orphanet 167, MedGen C0007965, MONDO:0008963, OMIM 214500.

Allele frequency attached by ClinVar (database versions not stated): gnomAD exomes below 0.00001.
gnomAD v4.1: 1 of 1,613,948 alleles (0.000062%); highest among the groups gnomAD compares: African/African-American, 0.0013%; no homozygotes.

Submissions (2):

Labcorp Genetics (formerly Invitae), Labcorp
Classification: Uncertain significance for Chédiak-Higashi syndrome. Last evaluated: 2024-10-16. Review status: criteria provided, single submitter. Criteria: Invitae Variant Classification Sherloc (09022015). Collection method: clinical testing. Allele origin: germline.
Comment: This sequence change replaces serine, which is neutral and polar, with alanine, which is neutral and non-polar, at codon 1079 of the LYST protein (p.Ser1079Ala). This variant is not present in population databases (gnomAD no frequency). This variant has not been reported in the literature in individuals affected with LYST-related conditions. ClinVar contains an entry for this variant (Variation ID: 1376128). Invitae Evidence Modeling of protein sequence and biophysical properties (such as structural, functional, and spatial information, amino acid conservation, physicochemical variation, residue mobility, and thermodynamic stability) indicates that this missense variant is not expected to disrupt LYST protein function with a negative predictive value of 80%. In summary, the available evidence is currently insufficient to determine the role of this variant in disease. Therefore, it has been classified as a Variant of Uncertain Significance.

Ambry Genetics
Classification: Uncertain significance for Inborn genetic diseases. Last evaluated: 2021-09-16. Review status: criteria provided, single submitter. Criteria: Ambry Variant Classification Scheme 2023. Collection method: clinical testing. Allele origin: germline.